The following is an entry in ClinVar:

ClinVar aggregate classification (germline): Uncertain significance. Review status: criteria provided, multiple submitters, no conflicts (2 of 4 stars). 2 submissions from 2 submitters: Uncertain significance (2). Last evaluated 2023-10-20.

Conditions:
Cutis laxa, X-linked (OHS). Also called: Occipital horn syndrome; EDS IX. Identifiers: Orphanet 198, MedGen C0268353, MONDO:0010572, OMIM 304150.
Menkes kinky-hair syndrome (MNK). Also called: Copper transport disease; Menkes Disease; Classic Menkes Disease. Identifiers: Orphanet 565, MedGen C0022716, MONDO:0010651, OMIM 309400.
X-linked distal spinal muscular atrophy type 3. Also called: ATP7A-Related Distal Motor Neuropathy; NEURONOPATHY, DISTAL HEREDITARY MOTOR, X-LINKED; NEUROPATHY, DISTAL HEREDITARY MOTOR, X-LINKED; SPINAL MUSCULAR ATROPHY, DISTAL, X-LINKED RECESSIVE. Identifiers: Orphanet 139557, MedGen C1845359, MONDO:0010338, OMIM 300489.

Allele frequency attached by ClinVar (database versions not stated): gnomAD exomes below 0.00001; gnomAD 0.00001.
gnomAD v4.1: 2 of 1,209,489 alleles (0.00017%); highest among the groups gnomAD compares: East Asian, 0.0059%; no homozygotes.

Submissions (2):

Labcorp Genetics (formerly Invitae), Labcorp
Classification: Uncertain significance for X-linked distal spinal muscular atrophy type 3; Cutis laxa, X-linked; Menkes kinky-hair syndrome. Last evaluated: 2023-10-20. Review status: criteria provided, single submitter. Criteria: Invitae Variant Classification Sherloc (09022015). Collection method: clinical testing. Allele origin: germline.
Comment: This sequence change replaces glycine, which is neutral and non-polar, with aspartic acid, which is acidic and polar, at codon 385 of the ATP7A protein (p.Gly385Asp). This variant is present in population databases (no rsID available, gnomAD 0.008%). This variant has not been reported in the literature in individuals affected with ATP7A-related conditions. Advanced modeling of protein sequence and biophysical properties (such as structural, functional, and spatial information, amino acid conservation, physicochemical variation, residue mobility, and thermodynamic stability) has been performed at Invitae for this missense variant, however the output from this modeling did not meet the statistical confidence thresholds required to predict the impact of this variant on ATP7A protein function. In summary, the available evidence is currently insufficient to determine the role of this variant in disease. Therefore, it has been classified as a Variant of Uncertain Significance.

Blueprint Genetics
Classification: Uncertain significance. Last evaluated: 2023-06-15. Review status: criteria provided, single submitter. Criteria: ACMG Guidelines, 2015. Collection method: clinical testing. Allele origin: germline.

NM_000052.7(ATP7A):c.1154G>A (p.Gly385Asp)

Gene: ATP7A (ATPase copper transporting alpha; plus strand). Cytogenetic location: Xq21.1.
Variant type: single nucleotide variant.
Coding change: c.1154G>A on transcript NM_000052.7 (MANE Select); coding-DNA position 1154, G replaced by A.
Protein change: p.Gly385Asp; replaces glycine 385 with aspartic acid.
Molecular consequence: missense variant.
Genome position (GRCh38, 1-based): chrX:77,989,776, G>A. VCF-style: chrX-77989776-G-A. GRCh37 (hg19) VCF-style: chrX-77245272-G-A.
Other names: c.1154G>A, p.Gly385Asp (NM_001282224.2); short protein forms G385D.
Identifiers: ClinVar variation 2923872 (VCV002923872.2), dbSNP rs1557231879, ClinGen allele CA413601929.